The following is an entry in ClinVar:

NM_015559.3(SETBP1):c.2389A>G (p.Thr797Ala)

Gene: SETBP1 (SET binding protein 1; plus strand). Cytogenetic location: 18q12.3.
Variant type: single nucleotide variant.
Coding change: c.2389A>G on transcript NM_015559.3 (MANE Select); coding-DNA position 2389, A replaced by G.
Protein change: p.Thr797Ala; replaces threonine 797 with alanine.
Molecular consequence: missense variant.
Genome position (GRCh38, 1-based): chr18:44,951,729, A>G. VCF-style: chr18-44951729-A-G. GRCh37 (hg19) VCF-style: chr18-42531694-A-G.
Other names: c.2389A>G, p.Thr797Ala (NM_001379141.1, NM_001379142.1, NM_001410862.1); short protein forms T797A.
Identifiers: ClinVar variation 3393906 (VCV003393906.2).

ClinVar aggregate classification (germline): Uncertain significance. Review status: criteria provided, multiple submitters, no conflicts (2 of 4 stars). 2 submissions from 2 submitters: Uncertain significance (2). Last evaluated 2025-06-22.

gnomAD v4.1: 1 of 1,614,074 alleles (0.000062%); highest among the groups gnomAD compares: South Asian, 0.0011%; no homozygotes.

Submissions (2):

Labcorp Genetics (formerly Invitae), Labcorp
Classification: Uncertain significance. Last evaluated: 2025-06-22. Review status: criteria provided, single submitter. Criteria: Invitae Variant Classification Sherloc (09022015). Collection method: clinical testing. Allele origin: germline.
Comment: This sequence change replaces threonine, which is neutral and polar, with alanine, which is neutral and non-polar, at codon 797 of the SETBP1 protein (p.Thr797Ala). This variant is not present in population databases (gnomAD no frequency). This variant has not been reported in the literature in individuals affected with SETBP1-related conditions. ClinVar contains an entry for this variant (Variation ID: 3393906). Invitae Evidence Modeling of protein sequence and biophysical properties (such as structural, functional, and spatial information, amino acid conservation, physicochemical variation, residue mobility, and thermodynamic stability) indicates that this missense variant is not expected to disrupt SETBP1 protein function with a negative predictive value of 80%. In summary, the available evidence is currently insufficient to determine the role of this variant in disease. Therefore, it has been classified as a Variant of Uncertain Significance.

GeneDx
Classification: Uncertain significance. Last evaluated: 2024-07-05. Review status: criteria provided, single submitter. Criteria: GeneDx Variant Classification Process June 2021. Collection method: clinical testing. Allele origin: germline. Affected: yes.
Comment: Not observed at significant frequency in large population cohorts (gnomAD); In silico analysis indicates that this missense variant does not alter protein structure/function; Has not been previously published as pathogenic or benign to our knowledge